The following is an entry in ClinVar:

ClinVar aggregate classification (germline): Benign/Likely benign. Review status: criteria provided, multiple submitters, no conflicts (2 of 4 stars). 3 submissions from 3 submitters: Benign (1); Likely benign (2). Last evaluated 2024-08-29.

Conditions:
Hereditary cancer-predisposing syndrome. Also called: Hereditary neoplastic syndrome; Hereditary Cancer Syndrome; Neoplastic Syndromes, Hereditary; Tumor predisposition. Identifiers: Orphanet 140162, MedGen C0027672, MeSH D009386, MONDO:0015356.
Oligodontia-cancer predisposition syndrome. Also called: TOOTH AGENESIS-COLORECTAL CANCER SYNDROME. Identifiers: Orphanet 300576, MedGen C1837750, MONDO:0012075, OMIM 608615. Disease mechanism: loss of function.

Allele frequency attached by ClinVar (database versions not stated): gnomAD exomes below 0.00001.
gnomAD v4.1: 4 of 1,601,166 alleles (0.00025%); highest among the groups gnomAD compares: East Asian, 0.0022%; no homozygotes.

Submissions (3):

Labcorp Genetics (formerly Invitae), Labcorp
Classification: Likely benign for Oligodontia-cancer predisposition syndrome. Last evaluated: 2024-08-29. Review status: criteria provided, single submitter. Criteria: Invitae Variant Classification Sherloc (09022015). Collection method: clinical testing. Allele origin: germline.

Myriad Genetics, Inc.
Classification: Benign for Oligodontia-cancer predisposition syndrome. Last evaluated: 2024-06-25. Review status: criteria provided, single submitter. Criteria: Myriad Autosomal Dominant, Autosomal Recessive and X-Linked Classification Criteria (2023). Collection method: clinical testing. Allele origin: unknown.
Comment: This variant is considered benign. This variant is a silent/synonymous amino acid change and it is not expected to impact splicing.

Ambry Genetics
Classification: Likely benign for Hereditary cancer-predisposing syndrome. Last evaluated: 2022-02-26. Review status: criteria provided, single submitter. Criteria: Ambry Variant Classification Scheme 2023. Collection method: clinical testing. Allele origin: germline.

NM_004655.4(AXIN2):c.165C>G (p.Thr55=)

Gene: AXIN2 (axin 2; minus strand). Cytogenetic location: 17q24.1.
Variant type: single nucleotide variant.
Coding change: c.165C>G on transcript NM_004655.4 (MANE Select); coding-DNA position 165, C replaced by G.
Protein change: p.Thr55=; no amino-acid change (threonine 55 retained).
Molecular consequence: synonymous variant.
Genome position (GRCh38, 1-based): chr17:65,558,456, G>C on the plus strand (C>G on the coding strand, the complement: AXIN2 is on the minus strand). VCF-style: chr17-65558456-G-C. GRCh37 (hg19) VCF-style: chr17-63554574-G-C.
Other names: c.165C>G, p.Thr55= (NM_001363813.1).
Identifiers: ClinVar variation 1595769 (VCV001595769.11), dbSNP rs1417465644, ClinGen allele CA501691515.